The following is an entry in ClinVar:

ClinVar aggregate classification (germline): Pathogenic. Review status: reviewed by expert panel (3 of 4 stars). 10 submissions from 10 submitters: Pathogenic (1). 9 of the submissions do not count toward it. Last evaluated 2015-08-10.

Conditions:
Hereditary cancer-predisposing syndrome. Also called: Hereditary Cancer Syndrome; Hereditary neoplastic syndrome; Neoplastic Syndromes, Hereditary; Tumor predisposition. Identifiers: Orphanet 140162, MedGen C0027672, MeSH D009386, MONDO:0015356.
Hereditary breast ovarian cancer syndrome. Also called: BRCA1- and BRCA2-Associated Hereditary Breast and Ovarian Cancer; Hereditary breast and ovarian cancer syndrome; Hereditary breast and ovarian cancer syndrome (HBOC); Breast and ovarian cancer; Hereditary breast and/or ovarian cancer syndrome; Hereditary breast and ovarian cancer. Identifiers: Orphanet 145, MedGen C0677776, MeSH D061325, MONDO:0003582. Disease mechanism: loss of function.
Breast-ovarian cancer, familial, susceptibility to, 1 (BROVCA1). Also called: BRCA1 Hereditary Breast and Ovarian Cancer; OVARIAN CANCER, SUSCEPTIBILITY TO. Identifiers: Orphanet 145, MedGen C2676676, MONDO:0011450, OMIM 604370. Disease mechanism: loss of function.

Submissions 1 to 7 of 11:

Evidence-based Network for the Interpretation of Germline Mutant Alleles (ENIGMA)
Classification: Pathogenic for Breast-ovarian cancer, familial 1. Last evaluated: 2015-08-10. Review status: reviewed by expert panel. Criteria: ENIGMA BRCA1/2 Classification Criteria (2015). Collection method: curation. Allele origin: germline.
Comment: IARC class based on posterior probability from multifactorial likelihood analysis, thresholds for class as per Plon et al. 2008 (PMID: 18951446). Class 5 based on posterior probability = 1

Labcorp Genetics (formerly Invitae), Labcorp
Classification: Pathogenic for Hereditary breast ovarian cancer syndrome. Last evaluated: 2025-11-12. Review status: criteria provided, single submitter. Criteria: Invitae Variant Classification Sherloc (09022015). Collection method: clinical testing. Allele origin: germline. Not counted in ClinVar's aggregate classification.
Comment: This sequence change replaces threonine, which is neutral and polar, with alanine, which is neutral and non-polar, at codon 1685 of the BRCA1 protein (p.Thr1685Ala). This variant is not present in population databases (gnomAD no frequency). This missense change has been observed in individual(s) with breast or ovarian cancer (PMID: 10923033, 11802209). ClinVar contains an entry for this variant (Variation ID: 55364). Invitae Evidence Modeling incorporating data from in vitro experimental studies (PMID: 30209399) indicates that this missense variant is expected to disrupt BRCA1 function with a positive predictive value of 95%. Experimental studies have shown that this missense change affects BRCA1 function (PMID: 20516115, 27272900). This variant disrupts the p.Thr1685 amino acid residue in BRCA1. Other variant(s) that disrupt this residue have been determined to be pathogenic (PMID: 15172985, 15689452, 17924331, 20516115). This suggests that this residue is clinically significant, and that variants that disrupt this residue are likely to be disease-causing. For these reasons, this variant has been classified as Pathogenic.

Molecular Pathology, Peter Maccallum Cancer Centre
Classification: Pathogenic for Breast-ovarian cancer, familial, susceptibility to, 1. Last evaluated: 2025-02-10. Review status: criteria provided, single submitter. Criteria: ACMG Guidelines, 2015. Collection method: clinical testing. Allele origin: germline. Inheritance: Autosomal dominant inheritance. Not counted in ClinVar's aggregate classification.

Ambry Genetics
Classification: Pathogenic for Hereditary cancer-predisposing syndrome. Last evaluated: 2024-11-12. Review status: criteria provided, single submitter. Criteria: Ambry Variant Classification Scheme 2023. Collection method: clinical testing. Allele origin: germline. Not counted in ClinVar's aggregate classification.
Comment: The p.T1685A pathogenic mutation (also known as c.5053A>G), located in coding exon 15 of the BRCA1 gene, results from an A to G substitution at nucleotide position 5053. The threonine at codon 1685 is replaced by alanine, an amino acid with similar properties. This alteration was identified in a large, worldwide study of BRCA1/2 mutation positive families (Rebbeck TR et al. Hum Mutat, 2018 05;39:593-620). Multiple functional studies have found this variant to be non-functional including a phosphopeptide binding assay; a binding specificity assay; a protease sensitivity assay; a homology-directed DNA repair assay, and a haploid cell survival assay (Lee MS et al. Cancer Res. 2010 Jun;70(12):4880-90; Petitalot A et al. Mol Cancer Res, 2019 01;17:54-69; Findlay GM et al. Nature, 2018 10;562:217-222). This variant is considered to be rare based on population cohorts in the Genome Aggregation Database (gnomAD). This amino acid position is highly conserved in available vertebrate species. In addition, this alteration is predicted to be deleterious by in silico analysis. Based on the supporting evidence, this alteration is interpreted as a disease-causing mutation.

Women's Health and Genetics/Laboratory Corporation of America, LabCorp
Classification: Likely pathogenic for Hereditary breast ovarian cancer syndrome. Last evaluated: 2024-09-09. Review status: criteria provided, single submitter. Criteria: LabCorp Variant Classification Summary - May 2015. Collection method: clinical testing. Allele origin: germline. Not counted in ClinVar's aggregate classification.
Comment: Variant summary: BRCA1 c.5053A>G (p.Thr1685Ala) results in a non-conservative amino acid change located in the BRCT domain (IPR001357) of the encoded protein sequence. Four of five in-silico tools predict a damaging effect of the variant on protein function. The variant was absent in 251378 control chromosomes. c.5053A>G has been reported in the literature in several individuals affected with clinical features of Hereditary Breast And Ovarian Cancer Syndrome (example, Rebbeck_2018, Pramanik_2024). These report(s) do not provide unequivocal conclusions about association of the variant with Hereditary Breast And Ovarian Cancer Syndrome. At least one functional study reports experimental evidence evaluating an impact on protein function and showed a damaging effect of this variant on homology directed repair (HDR) activity (e.g. Findlay_2018). HDR assays qualify as a recognized gold standard on the basis of updated guidance provided by the ClinGen Sequence Variant Interpretation (SVI) working group. The following publications have been ascertained in the context of this evaluation (PMID: 30209399, 38439815, 29446198). ClinVar contains an entry for this variant (Variation ID: 55364). Based on the evidence outlined above, the variant was classified as likely pathogenic.

Neuberg Centre For Genomic Medicine, NCGM
Classification: Pathogenic for Breast-ovarian cancer, familial, susceptibility to, 1. Last evaluated: 2023-05-20. Review status: criteria provided, single submitter. Criteria: ACMG Guidelines, 2015. Collection method: clinical testing. Allele origin: germline. Inheritance: Autosomal dominant inheritance. Affected: yes. Not counted in ClinVar's aggregate classification.
Comment: The missense c.5053A>G (p.Thr1685Ala) variant in the BRCA1 gene has been reported previously in a heterozygous state in many individuals affected with breast and ovarian cancer. Experimental studies have shown that this missense change affects BRCA1 function (Findlay et al., 2018; Thouvenot et al., 2016; Lee et al., 2010). Different amino acid change affecting codon 1685 (p.Thr1685Ile) is reported as a known pathogenic variant. The amino acid Threonine at position 1685 is changed to a Alanine changing protein sequence and it might alter its composition and physico-chemical properties. This variant has been reported to the ClinVar database as Uncertain significance/ Pathogenic. Multiple lines of computational evidence (Polyphen - Damaging, SIFT - Damaging and MutationTaster - Disease causing) predict a damaging effect on protein structure and function for this variant. The amino acid change p.Thr1685Ala in BRCA1 is predicted as conserved by GERP++ and PhyloP across 100 vertebrates. For these reasons, this variant has been classified as Pathogenic.

Color Diagnostics, LLC DBA Color Health
Classification: Likely pathogenic for Hereditary cancer-predisposing syndrome. Last evaluated: 2023-05-16. Review status: criteria provided, single submitter. Criteria: ACMG Guidelines, 2015. Collection method: clinical testing. Allele origin: germline. Not counted in ClinVar's aggregate classification.
Comment: This missense variant replaces a conserved threonine with alanine at codon 1685 in the BRCT domain of the BRCA1 protein (PMID: 15172985, 17305420). Computational prediction suggests that this variant may have deleterious impact on protein structure and function (internally defined REVEL score threshold >= 0.7, PMID: 27666373). Multiple functional studies have reported the mutant protein to be non-functional in a phosphopeptide binding assay, a homology-directed DNA repair assay, and cell growth/survival assay (PMID: 20516115, 27272900, 30209399, 30257991). This variant has been reported in an individual affected with breast or ovarian cancer (PMID: 24772314) and at least two suspected hereditary breast and ovarian cancer families (PMID: 11802209, 29446198). A multifactorial analysis has reported a likelihood ratio for pathogenicity based of family history of 2.0 (PMID: 17924331). This variant also has been detected in two additional individuals affected with breast cancer who also have a pathogenic BRCA2 covariant (PMID: 34296289). This variant has not been identified in the general population by the Genome Aggregation Database (gnomAD). A different missense variant at this codon, p.Thr1685Ile, is reported as disease-causing in ClinVar (variation ID: 55365) and has been reported in individuals affected with ovarian cancer (PMID: 26689913, 29297111). Based on the available evidence, this variant is classified as Likely Pathogenic.

NM_007294.4(BRCA1):c.5053A>G (p.Thr1685Ala)

Gene: BRCA1 (BRCA1 DNA repair associated; minus strand). Cytogenetic location: 17q21.31.
Variant type: single nucleotide variant.
Coding change: c.5053A>G on transcript NM_007294.4 (MANE Select); coding-DNA position 5053, A replaced by G.
Protein change: p.Thr1685Ala; replaces threonine 1685 with alanine.
Molecular consequence: missense variant. On other transcripts: non-coding transcript variant (1).
Genome position (GRCh38, 1-based): chr17:43,067,629, T>C on the plus strand (A>G on the coding strand, the complement: BRCA1 is on the minus strand). VCF-style: chr17-43067629-T-C. GRCh37 (hg19) VCF-style: chr17-41219646-T-C.
Other names: p.T1685A:ACT>GCT; 5172A>G; c.4840A>G, p.Thr1614Ala (NM_001407908.1, NM_001407909.1, NM_001407910.1 and 12 more transcripts); c.4837A>G, p.Thr1613Ala (NM_001407915.1, NM_001407916.1, NM_001407917.1 and 1 more transcripts); c.4930A>G, p.Thr1644Ala (NM_001407919.1, NM_001407664.1, NM_001407665.1 and 6 more transcripts); c.4789A>G, p.Thr1597Ala (NM_001407920.1, NM_001407921.1, NM_001407922.1 and 4 more transcripts); c.1738A>G, p.Thr580Ala (NM_001408473.1, NM_001408392.1, NM_001408396.1 and 8 more transcripts); c.1543A>G, p.Thr515Ala (NM_001408474.1); and 72 more; short protein forms T1685A, T1638A, T581A, T1706A, T1558A, T1574A, T1615A, T1618A.
Identifiers: ClinVar variation 55364 (VCV000055364.31), dbSNP rs80356890, ClinGen allele CA003174.